The following is an entry in ClinVar:

NM_152703.5(SAMD9L):c.526C>T (p.Arg176Cys)

Gene: SAMD9L (sterile alpha motif domain containing 9 like; minus strand). Cytogenetic location: 7q21.2.
Variant type: single nucleotide variant.
Coding change: c.526C>T on transcript NM_152703.5 (MANE Select); coding-DNA position 526, C replaced by T.
Protein change: p.Arg176Cys; replaces arginine 176 with cysteine.
Molecular consequence: missense variant.
Genome position (GRCh38, 1-based): chr7:93,135,446, G>A on the plus strand (C>T on the coding strand, the complement: SAMD9L is on the minus strand). VCF-style: chr7-93135446-G-A. GRCh37 (hg19) VCF-style: chr7-92764759-G-A.
Other names: c.526C>T, p.Arg176Cys (NM_001303496.3, NM_001303497.3, NM_001303498.3 and 5 more transcripts); c.526C>T (NM_152703.3, NM_152703.2); short protein forms R176C.
Identifiers: ClinVar variation 1485463 (VCV001485463.9), dbSNP rs367855636, ClinGen allele CA4343857.
Genomic context (GRCh38, chr7:93,135,446, plus strand): 5'-TTGGATCAATGAGATTGAGTGCTCCTGTTTCAGGTTGTAGAGTATAATGTTCTATGTAGC[G>A]ATGGCTGTCATGGAACTGATCAAAAGGATATGGCATACAAGTCAATTGTTCAGGTTTTAG-3'
Protein context (NP_689916.2, residues 166-186): YPFDQFHDSH[Arg176Cys]YIEHYTLQPE

ClinVar aggregate classification (germline): Uncertain significance. Review status: criteria provided, multiple submitters, no conflicts (2 of 4 stars). 3 submissions from 3 submitters: Uncertain significance (3). Last evaluated 2025-10-02.

Conditions:
Inborn genetic diseases. Identifiers: MedGen C0950123, MeSH D030342.

Allele frequency attached by ClinVar (database versions not stated): ESP Exome Variant Server 0.00008.

Submissions (3):

Labcorp Genetics (formerly Invitae), Labcorp
Classification: Uncertain significance. Last evaluated: 2025-10-02. Review status: criteria provided, single submitter. Criteria: Invitae Variant Classification Sherloc (09022015). Collection method: clinical testing. Allele origin: germline.
Comment: This sequence change replaces arginine, which is basic and polar, with cysteine, which is neutral and slightly polar, at codon 176 of the SAMD9L protein (p.Arg176Cys). This variant is present in population databases (rs367855636, gnomAD 0.01%). This variant has not been reported in the literature in individuals affected with SAMD9L-related conditions. ClinVar contains an entry for this variant (Variation ID: 1485463). An algorithm developed to predict the effect of missense changes on protein structure and function (PolyPhen-2) suggests that this variant is likely to be tolerated. In summary, the available evidence is currently insufficient to determine the role of this variant in disease. Therefore, it has been classified as a Variant of Uncertain Significance.

Ambry Genetics
Classification: Uncertain significance for Inborn genetic diseases. Last evaluated: 2025-04-03. Review status: criteria provided, single submitter. Criteria: Ambry Variant Classification Scheme 2023. Collection method: clinical testing. Allele origin: germline.
Comment: The p.R176C variant (also known as c.526C>T), located in coding exon 1 of the SAMD9L gene, results from a C to T substitution at nucleotide position 526. The arginine at codon 176 is replaced by cysteine, an amino acid with highly dissimilar properties. This amino acid position is conserved. In addition, this alteration is predicted to be tolerated by in silico analysis. Based on the available evidence, the clinical significance of this variant remains unclear.

GeneDx
Classification: Uncertain significance. Last evaluated: 2022-09-02. Review status: criteria provided, single submitter. Criteria: GeneDx Variant Classification Process June 2021. Collection method: clinical testing. Allele origin: germline. Affected: yes.
Comment: In silico analysis supports that this missense variant does not alter protein structure/function; Has not been previously published as pathogenic or benign to our knowledge